The following is an entry in ClinVar:

ClinVar aggregate classification (germline): Uncertain significance (1 of 4 stars; one submission).

Conditions:
Hereditary spastic paraplegia. Also called: Familial spastic paraparesis. Identifiers: Orphanet 685, MedGen C0037773, MONDO:0019064. Disease mechanism: loss of function.

gnomAD v4.1: 33 of 1,592,860 alleles (0.0021%); highest among the groups gnomAD compares: Non-Finnish European, 0.0026%; no homozygotes.

Submission:

Labcorp Genetics (formerly Invitae), Labcorp
Classification: Uncertain significance for Hereditary spastic paraplegia. Last evaluated: 2024-03-17. Review status: criteria provided, single submitter. Criteria: Invitae Variant Classification Sherloc (09022015). Collection method: clinical testing. Allele origin: germline.
Comment: This sequence change replaces lysine, which is basic and polar, with arginine, which is basic and polar, at codon 546 of the USP8 protein (p.Lys546Arg). This variant is present in population databases (rs752217639, gnomAD 0.003%). This variant has not been reported in the literature in individuals affected with USP8-related conditions. Algorithms developed to predict the effect of missense changes on protein structure and function output the following: SIFT: "Not Available"; PolyPhen-2: "Benign"; Align-GVGD: "Not Available". The arginine amino acid residue is found in multiple mammalian species, which suggests that this missense change does not adversely affect protein function. In summary, the available evidence is currently insufficient to determine the role of this variant in disease. Therefore, it has been classified as a Variant of Uncertain Significance.

NM_005154.5(USP8):c.1637A>G (p.Lys546Arg)

Gene: USP8 (ubiquitin specific peptidase 8; plus strand). Cytogenetic location: 15q21.2.
Variant type: single nucleotide variant.
Coding change: c.1637A>G on transcript NM_005154.5 (MANE Select); coding-DNA position 1637, A replaced by G.
Protein change: p.Lys546Arg; replaces lysine 546 with arginine.
Molecular consequence: missense variant.
Genome position (GRCh38, 1-based): chr15:50,481,899, A>G. VCF-style: chr15-50481899-A-G. GRCh37 (hg19) VCF-style: chr15-50774096-A-G.
Other names: c.1637A>G, p.Lys546Arg (NM_001128610.3); c.1406A>G, p.Lys469Arg (NM_001283049.2); short protein forms K469R, K546R.
Identifiers: ClinVar variation 3667723 (VCV003667723.2).